The following is an entry in ClinVar:

NM_001813.3(CENPE):c.7886G>A (p.Arg2629Gln)

Gene: CENPE (centromere protein E; minus strand). Cytogenetic location: 4q24.
Variant type: single nucleotide variant.
Coding change: c.7886G>A on transcript NM_001813.3 (MANE Select); coding-DNA position 7886, G replaced by A.
Protein change: p.Arg2629Gln; replaces arginine 2629 with glutamine.
Molecular consequence: missense variant.
Genome position (GRCh38, 1-based): chr4:103,108,928, C>T on the plus strand (G>A on the coding strand, the complement: CENPE is on the minus strand). VCF-style: chr4-103108928-C-T. GRCh37 (hg19) VCF-style: chr4-104030085-C-T.
Other names: c.7523G>A, p.Arg2508Gln (NM_001286734.2); short protein forms R2629Q, R2508Q.
Identifiers: ClinVar variation 434698 (VCV000434698.29), dbSNP rs141321114, ClinGen allele CA3029028.

ClinVar aggregate classification (germline): Conflicting classifications of pathogenicity. Review status: criteria provided, conflicting classifications (1 of 4 stars). 3 submissions from 3 submitters: Uncertain significance (2); Likely benign (1). Last evaluated 2024-02-01.

Allele frequency attached by ClinVar (database versions not stated): ESP Exome Variant Server 0.00046; gnomAD exomes 0.00058 and 0.00031; ExAC 0.00061; 1000 Genomes Project 30x 0.00062; 1000 Genomes Project 0.00080; gnomAD 0.00024 and 0.00027; TOPMed 0.00033.
gnomAD v4.1: 521 of 1,613,828 alleles (0.032%); highest among the groups gnomAD compares: Middle Eastern, 0.46%; 3 homozygotes.

Submissions (3):

CeGaT Center for Human Genetics Tuebingen
Classification: Likely benign. Last evaluated: 2024-02-01. Review status: criteria provided, single submitter. Criteria: CeGaT Center For Human Genetics Tuebingen Variant Classification Criteria Version 2. Collection method: clinical testing. Allele origin: germline. Affected: yes. Observed: 1 variant allele.
Comment: CENPE: BP4

Genetic Services Laboratory, University of Chicago
Classification: Uncertain significance. Last evaluated: 2017-04-05. Review status: criteria provided, single submitter. Criteria: ACMG Guidelines, 2015. Collection method: clinical testing. Allele origin: germline. Affected: no.

Breakthrough Genomics
Classification: Uncertain significance. Review status: criteria provided, single submitter. Criteria: ACMG Guidelines, 2015. Collection method: not provided. Allele origin: germline. Inheritance: Autosomal recessive inheritance. Affected: yes.